The following is an entry in ClinVar:

NM_004273.5(CHST3):c.394C>G (p.Arg132Gly)

Gene: CHST3 (carbohydrate sulfotransferase 3; plus strand). Cytogenetic location: 10q22.1.
Variant type: single nucleotide variant.
Coding change: c.394C>G on transcript NM_004273.5 (MANE Select); coding-DNA position 394, C replaced by G.
Protein change: p.Arg132Gly; replaces arginine 132 with glycine.
Molecular consequence: missense variant.
Genome position (GRCh38, 1-based): chr10:72,007,425, C>G. VCF-style: chr10-72007425-C-G. GRCh37 (hg19) VCF-style: chr10-73767183-C-G.
Other names: short protein forms R132G.
Identifiers: ClinVar variation 300560 (VCV000300560.8), dbSNP rs766145797, ClinGen allele CA5548087.

ClinVar aggregate classification (germline): Uncertain significance (1 of 4 stars; one submission).

Conditions:
Spondyloepiphyseal dysplasia with congenital joint dislocations (SEDCJD). Also called: Chondrodysplasia with Congenital Joint Dislocations, CHST3-Related. Identifiers: Orphanet 263463, MedGen C1837657, MONDO:0007738, OMIM 143095.

Allele frequency attached by ClinVar (database versions not stated): TOPMed 0.00001.
gnomAD v4.1: 3 of 1,603,236 alleles (0.00019%); highest among the groups gnomAD compares: Admixed American, 0.0017%; no homozygotes.

Submission:

Labcorp Genetics (formerly Invitae), Labcorp
Classification: Uncertain significance for Spondyloepiphyseal dysplasia with congenital joint dislocations. Last evaluated: 2024-10-25. Review status: criteria provided, single submitter. Criteria: Invitae Variant Classification Sherloc (09022015). Collection method: clinical testing. Allele origin: germline.
Comment: This sequence change replaces arginine, which is basic and polar, with glycine, which is neutral and non-polar, at codon 132 of the CHST3 protein (p.Arg132Gly). This variant is present in population databases (rs766145797, gnomAD 0.003%). This variant has not been reported in the literature in individuals affected with CHST3-related conditions. ClinVar contains an entry for this variant (Variation ID: 300560). Invitae Evidence Modeling of protein sequence and biophysical properties (such as structural, functional, and spatial information, amino acid conservation, physicochemical variation, residue mobility, and thermodynamic stability) indicates that this missense variant is not expected to disrupt CHST3 protein function with a negative predictive value of 95%. In summary, the available evidence is currently insufficient to determine the role of this variant in disease. Therefore, it has been classified as a Variant of Uncertain Significance.